The following is an entry in ClinVar:

ClinVar aggregate classification (germline): Benign/Likely benign. Review status: criteria provided, multiple submitters, no conflicts (2 of 4 stars). 4 submissions from 4 submitters: Benign (1); Likely benign (3). Last evaluated 2026-08-01.

Allele frequency attached by ClinVar (database versions not stated): 1000 Genomes Project 0.00160; 1000 Genomes Project 30x 0.00234; ExAC 0.00589; gnomAD 0.00817 and 0.00841; TOPMed 0.00849; ESP Exome Variant Server 0.01081.
gnomAD v4.1: 18,382 of 1,613,992 alleles (1.1%); highest among the groups gnomAD compares: Non-Finnish European, 1.4%; 149 homozygotes.

Submissions (4):

CeGaT Center for Human Genetics Tuebingen
Classification: Benign. Last evaluated: 2026-08-01. Review status: criteria provided, single submitter. Criteria: CeGaT Center For Human Genetics Tuebingen Variant Classification Criteria Version 2. Collection method: clinical testing. Allele origin: germline. Affected: yes. Observed: 16 variant alleles.
Comment: SLC39A7: BS1, BS2

Women's Health and Genetics/Laboratory Corporation of America, LabCorp
Classification: Likely benign. Last evaluated: 2026-02-12. Review status: criteria provided, single submitter. Criteria: LabCorp Variant Classification Summary - May 2015. Collection method: clinical testing. Allele origin: germline.
Comment: Variant summary: SLC39A7 c.160T>C (p.Phe54Leu) results in a non-conservative amino acid change in the encoded protein sequence. Algorithms developed to predict the effect of missense changes on protein structure and function are either unavailable or do not agree on the potential impact of this missense change. The variant allele was found at a frequency of 0.0067 in 249574 control chromosomes, predominantly at a frequency of 0.01 within the Non-Finnish European subpopulation in the gnomAD database, including 7 homozygotes. The observed variant frequency within Non-Finnish European control individuals in the gnomAD database exceeds the estimated maximal expected allele frequency for disease-causing variants in SLC39A7. To our knowledge, no occurrence of c.160T>C in individuals affected with SLC39A7-related conditions and no experimental evidence demonstrating its impact on protein function have been reported. ClinVar contains an entry for this variant (Variation ID: 779425). Based on the evidence outlined above, the variant was classified as likely benign.

Labcorp Genetics (formerly Invitae), Labcorp
Classification: Likely benign. Last evaluated: 2026-02-02. Review status: criteria provided, single submitter. Criteria: Invitae Variant Classification Sherloc (09022015). Collection method: clinical testing. Allele origin: germline.

Breakthrough Genomics
Classification: Likely benign. Review status: criteria provided, single submitter. Criteria: ACMG Guidelines, 2015. Collection method: not provided. Allele origin: germline. Inheritance: Autosomal recessive inheritance. Affected: yes.

NM_006979.3(SLC39A7):c.160T>C (p.Phe54Leu)

Gene: SLC39A7 (solute carrier family 39 member 7; plus strand). Cytogenetic location: 6p21.32.
Variant type: single nucleotide variant.
Coding change: c.160T>C on transcript NM_006979.3 (MANE Select); coding-DNA position 160, T replaced by C.
Protein change: p.Phe54Leu; replaces phenylalanine 54 with leucine.
Molecular consequence: missense variant. On other transcripts: intron variant (1).
Genome position (GRCh38, 1-based): chr6:33,201,405, T>C. VCF-style: chr6-33201405-T-C. GRCh37 (hg19) VCF-style: chr6-33169182-T-C.
Other names: c.160T>C, p.Phe54Leu (NM_001077516.2); c.52+17T>C (NM_001288777.2); short protein forms F54L.
Identifiers: ClinVar variation 779425 (VCV000779425.33), dbSNP rs76929655, ClinGen allele CA3752202.